The following is an entry in ClinVar:

ClinVar aggregate classification (germline): Uncertain significance (1 of 4 stars; one submission).

Allele frequency attached by ClinVar (database versions not stated): gnomAD exomes below 0.00001; gnomAD 0.00002; TOPMed 0.00002.
gnomAD v4.1: 8 of 1,560,540 alleles (0.00051%); highest among the groups gnomAD compares: African/African-American, 0.0054%; no homozygotes.

Submission:

Labcorp Genetics (formerly Invitae), Labcorp
Classification: Uncertain significance. Last evaluated: 2024-07-23. Review status: criteria provided, single submitter. Criteria: Invitae Variant Classification Sherloc (09022015). Collection method: clinical testing. Allele origin: germline.
Comment: This sequence change replaces glutamic acid, which is acidic and polar, with lysine, which is basic and polar, at codon 128 of the NEFH protein (p.Glu128Lys). This variant is present in population databases (no rsID available, gnomAD 0.001%). This variant has not been reported in the literature in individuals affected with NEFH-related conditions. ClinVar contains an entry for this variant (Variation ID: 1911918). Experimental studies and prediction algorithms are not available or were not evaluated, and the functional significance of this variant is currently unknown. In summary, the available evidence is currently insufficient to determine the role of this variant in disease. Therefore, it has been classified as a Variant of Uncertain Significance.

NM_021076.4(NEFH):c.382G>A (p.Glu128Lys)

Gene: NEFH (neurofilament heavy chain; plus strand). Cytogenetic location: 22q12.2.
Variant type: single nucleotide variant.
Coding change: c.382G>A on transcript NM_021076.4 (MANE Select); coding-DNA position 382, G replaced by A.
Protein change: p.Glu128Lys; replaces glutamic acid 128 with lysine.
Molecular consequence: missense variant.
Genome position (GRCh38, 1-based): chr22:29,480,644, G>A. VCF-style: chr22-29480644-G-A. GRCh37 (hg19) VCF-style: chr22-29876633-G-A.
Other names: short protein forms E128K.
Identifiers: ClinVar variation 1911918 (VCV001911918.5), dbSNP rs892431261, ClinGen allele CA323082921.